The following is an entry in ClinVar:

NM_001003800.2(BICD2):c.2428C>T (p.Arg810Cys)

Gene: BICD2 (BICD cargo adaptor 2; minus strand). Cytogenetic location: 9q22.31.
Variant type: single nucleotide variant.
Coding change: c.2428C>T on transcript NM_001003800.2 (MANE Select); coding-DNA position 2428, C replaced by T.
Protein change: p.Arg810Cys; replaces arginine 810 with cysteine.
Molecular consequence: missense variant.
Genome position (GRCh38, 1-based): chr9:92,715,294, G>A on the plus strand (C>T on the coding strand, the complement: BICD2 is on the minus strand). VCF-style: chr9-92715294-G-A. GRCh37 (hg19) VCF-style: chr9-95477576-G-A.
Other names: c.2428C>T, p.Arg810Cys (NM_015250.4); short protein forms R810C.
Identifiers: ClinVar variation 1447123 (VCV001447123.6), dbSNP rs778218322, ClinGen allele CA5126305.
Genomic context (GRCh38, chr9:92,715,294, plus strand): 5'-AGGCACAGGTGTGACTTACGCTCGGTGTGGCTGGCTTGGTCTTCGGGGCGGCTTTGGCAC[G>A]GCCACGCCGGGTCTGCTCATGGTCCAGCTCGAGCAGCTCCAGCCGCTGGGTCAGCGCCAG-3'
Protein context (NP_001003800.1, residues 800-820): ELDHEQTRRG[Arg810Cys]AKAAPKTKPA

ClinVar aggregate classification (germline): Uncertain significance (1 of 4 stars; one submission).

Conditions:
Autosomal dominant childhood-onset proximal spinal muscular atrophy with contractures (SMALED2A). Also called: Spinal muscular atrophy, lower extremity-predominant, 2A, autosomal dominant; SPINAL MUSCULAR ATROPHY, LOWER EXTREMITY-PREDOMINANT, 2A, CHILDHOOD ONSET, AUTOSOMAL DOMINANT. Identifiers: Orphanet 363447, Orphanet 363454, MedGen C4747715, MONDO:0014121, OMIM 615290.

Allele frequency attached by ClinVar (database versions not stated): gnomAD 0.00001; gnomAD exomes 0.00001 and 0.00003; TOPMed 0.00003; ExAC 0.00006.
gnomAD v4.1: 19 of 1,612,608 alleles (0.0012%); highest among the groups gnomAD compares: Middle Eastern, 0.016%; no homozygotes.

Submission:

Labcorp Genetics (formerly Invitae), Labcorp
Classification: Uncertain significance for Autosomal dominant childhood-onset proximal spinal muscular atrophy with contractures. Last evaluated: 2023-10-13. Review status: criteria provided, single submitter. Criteria: Invitae Variant Classification Sherloc (09022015). Collection method: clinical testing. Allele origin: germline.
Comment: This sequence change replaces arginine, which is basic and polar, with cysteine, which is neutral and slightly polar, at codon 810 of the BICD2 protein (p.Arg810Cys). This variant is present in population databases (rs778218322, gnomAD 0.01%). This variant has not been reported in the literature in individuals affected with BICD2-related conditions. ClinVar contains an entry for this variant (Variation ID: 1447123). Advanced modeling of protein sequence and biophysical properties (such as structural, functional, and spatial information, amino acid conservation, physicochemical variation, residue mobility, and thermodynamic stability) performed at Invitae indicates that this missense variant is not expected to disrupt BICD2 protein function. In summary, the available evidence is currently insufficient to determine the role of this variant in disease. Therefore, it has been classified as a Variant of Uncertain Significance.